The following is an entry in ClinVar:

NM_033380.3(COL4A5):c.1139del (p.Gly380fs)

Gene: COL4A5 (collagen type IV alpha 5 chain; plus strand). Cytogenetic location: Xq22.3.
Variant type: Deletion.
Coding change: c.1139del on transcript NM_033380.3 (MANE Select); coding-DNA position 1139, one base deleted (G; older notation c.1139delG).
Protein change: p.Gly380fs; shifts the reading frame from glycine 380.
Molecular consequence: frameshift variant.
Genome position (GRCh38, 1-based): chrX:108,586,721, G deleted; the last of 3 consecutive G bases (chrX:108,586,719-108,586,721); deleting any one gives the same sequence. VCF-style (leftmost placement, unchanged base first): chrX-108586718-AG-A. GRCh37 (hg19) VCF-style: chrX-107829948-AG-A.
Other names: c.1139del, p.Gly380fs (NM_000495.5); short protein forms G380fs.
Identifiers: ClinVar variation 1455179 (VCV001455179.7), dbSNP rs2147788399, ClinGen allele CA2573159089.

ClinVar aggregate classification (germline): Pathogenic/Likely pathogenic. Review status: criteria provided, multiple submitters, no conflicts (2 of 4 stars). 2 submissions from 2 submitters: Pathogenic (1); Likely pathogenic (1). Last evaluated 2020-11-19.

Conditions:
COL4A5-related disorders.

Submissions (2):

Labcorp Genetics (formerly Invitae), Labcorp
Classification: Pathogenic. Last evaluated: 2020-11-19. Review status: criteria provided, single submitter. Criteria: Invitae Variant Classification Sherloc (09022015). Collection method: clinical testing. Allele origin: germline.
Comment: For these reasons, this variant has been classified as Pathogenic. This variant has not been reported in the literature in individuals with COL4A5-related conditions. This variant is not present in population databases (ExAC no frequency). This sequence change creates a premature translational stop signal (p.Gly380Valfs*94) in the COL4A5 gene. It is expected to result in an absent or disrupted protein product. Loss-of-function variants in COL4A5 are known to be pathogenic (PMID: 9195222, 10752524, 14514738, 24854265, 26809805).

Blueprint Genetics
Classification: Likely pathogenic for COL4A5-related disorders. Last evaluated: 2020-09-08. Review status: criteria provided, single submitter. Criteria: ACMG Guidelines, 2015. Collection method: clinical testing. Allele origin: germline. Affected: yes. Observed: 1 variant allele.

Literature cited by the submitters: PubMed 9195222 (cited by Labcorp Genetics (formerly Invitae), Labcorp); PubMed 10752524 (cited by Labcorp Genetics (formerly Invitae), Labcorp); PubMed 14514738 (cited by Labcorp Genetics (formerly Invitae), Labcorp); PubMed 24854265 (cited by Labcorp Genetics (formerly Invitae), Labcorp); PubMed 26809805 (cited by Labcorp Genetics (formerly Invitae), Labcorp).